The following is an entry in ClinVar:

ClinVar aggregate classification (germline): Benign/Likely benign. Review status: criteria provided, multiple submitters, no conflicts (2 of 4 stars). 4 submissions from 4 submitters: Benign (1); Likely benign (3). Last evaluated 2025-11-16.

Conditions:
Lynch syndrome 4 (LYNCH4). Also called: Colorectal cancer, hereditary nonpolyposis, type 4; Hereditary non-polyposis colorectal cancer, type 4. Identifiers: Orphanet 144, MedGen C1838333, MONDO:0013699, OMIM 614337. Disease mechanism: loss of function.
Lynch syndrome. Identifiers: Orphanet 144, MedGen C4552100, MONDO:0005835. Disease mechanism: loss of function.
Hereditary nonpolyposis colorectal neoplasms. Identifiers: MedGen C0009405, MeSH D003123.
Hereditary cancer-predisposing syndrome. Also called: Hereditary neoplastic syndrome; Hereditary Cancer Syndrome; Neoplastic Syndromes, Hereditary; Tumor predisposition. Identifiers: Orphanet 140162, MedGen C0027672, MeSH D009386, MONDO:0015356.

Submissions (4):

Labcorp Genetics (formerly Invitae), Labcorp
Classification: Likely benign for Hereditary nonpolyposis colorectal neoplasms. Last evaluated: 2025-11-16. Review status: criteria provided, single submitter. Criteria: Invitae Variant Classification Sherloc (09022015). Collection method: clinical testing. Allele origin: germline.

Ambry Genetics
Classification: Likely benign for Hereditary cancer-predisposing syndrome. Last evaluated: 2025-04-01. Review status: criteria provided, single submitter. Criteria: Ambry Variant Classification Scheme 2023. Collection method: clinical testing. Allele origin: germline.

Myriad Genetics, Inc.
Classification: Benign for Lynch syndrome 4. Last evaluated: 2025-01-30. Review status: criteria provided, single submitter. Criteria: Myriad Autosomal Dominant, Autosomal Recessive and X-Linked Classification Criteria (2023). Collection method: clinical testing. Allele origin: unknown.
Comment: This variant is considered benign. This variant is a silent/synonymous amino acid change and it is not expected to impact splicing.

All of Us Research Program, National Institutes of Health
Classification: Likely benign for Lynch syndrome. Last evaluated: 2023-06-08. Review status: criteria provided, single submitter. Criteria: ACMG Guidelines, 2015. Collection method: clinical testing. Allele origin: germline. Inheritance: Autosomal dominant inheritance. Observed: 1 variant allele, 1 heterozygote.
Comment: This study involves interpretation of variants in research participants for the purpose of population health screening. Participant phenotype was not available at the time of variant classification. Additional details can be found in publication PMID: 35346344, PMCID: PMC8962531

NM_000535.7(PMS2):c.1158A>G (p.Lys386=)

Gene: PMS2 (PMS1 homolog 2, mismatch repair system component; minus strand). Cytogenetic location: 7p22.1.
Variant type: single nucleotide variant.
Coding change: c.1158A>G on transcript NM_000535.7 (MANE Select); coding-DNA position 1158, A replaced by G.
Protein change: p.Lys386=; no amino-acid change (lysine 386 retained).
Molecular consequence: synonymous variant. On other transcripts: non-coding transcript variant (1), intron variant (1).
Genome position (GRCh38, 1-based): chr7:5,987,607, T>C on the plus strand (A>G on the coding strand, the complement: PMS2 is on the minus strand). VCF-style: chr7-5987607-T-C. GRCh37 (hg19) VCF-style: chr7-6027238-T-C.
Other names: c.753A>G, p.Lys251= (NM_001018040.1, NM_001322003.2, NM_001322004.2 and 17 more transcripts); c.1002A>G, p.Lys334= (NM_001322006.2, NM_001406870.1); c.840A>G, p.Lys280= (NM_001322007.2, NM_001322008.2, NM_001406876.1 and 2 more transcripts); c.597A>G, p.Lys199= (NM_001322010.2, NM_001406906.1, NM_001406907.1); c.225A>G, p.Lys75= (NM_001322011.2, NM_001322012.2); c.585A>G, p.Lys195= (NM_001322013.2, NM_001406909.1); c.1158A>G, p.Lys386= (NM_001322014.2, NM_001406871.1, NM_001406872.1); c.849A>G, p.Lys283= (NM_001322015.2, NM_001406875.1, NM_001406877.1 and 5 more transcripts); and 13 more.
Identifiers: ClinVar variation 3071493 (VCV003071493.4), dbSNP rs2128737174, ClinGen allele CA453643812.